The following is an entry in ClinVar:

NM_002439.5(MSH3):c.1436A>C (p.Asp479Ala)

Gene: MSH3 (mutS homolog 3; plus strand). Cytogenetic location: 5q14.1.
Variant type: single nucleotide variant.
Coding change: c.1436A>C on transcript NM_002439.5 (MANE Select); coding-DNA position 1436, A replaced by C.
Protein change: p.Asp479Ala; replaces aspartic acid 479 with alanine.
Molecular consequence: missense variant.
Genome position (GRCh38, 1-based): chr5:80,725,548, A>C. VCF-style: chr5-80725548-A-C. GRCh37 (hg19) VCF-style: chr5-80021367-A-C.
Other names: short protein forms D479A.
Identifiers: ClinVar variation 3296257 (VCV003296257.1).

ClinVar aggregate classification (germline): Uncertain significance (1 of 4 stars; one submission).

Conditions:
Hereditary cancer-predisposing syndrome. Also called: Tumor predisposition; Hereditary Cancer Syndrome; Hereditary neoplastic syndrome; Neoplastic Syndromes, Hereditary. Identifiers: Orphanet 140162, MedGen C0027672, MeSH D009386, MONDO:0015356.

Submission:

Ambry Genetics
Classification: Uncertain significance for Hereditary cancer-predisposing syndrome. Last evaluated: 2024-03-15. Review status: criteria provided, single submitter. Criteria: Ambry Variant Classification Scheme 2023. Collection method: clinical testing. Allele origin: germline.
Comment: The p.D479A variant (also known as c.1436A>C), located in coding exon 9 of the MSH3 gene, results from an A to C substitution at nucleotide position 1436. The aspartic acid at codon 479 is replaced by alanine, an amino acid with dissimilar properties. This amino acid position is conserved. In addition, the in silico prediction for this alteration is inconclusive. Based on the available evidence, the clinical significance of this alteration remains unclear.